The following is an entry in ClinVar:

ClinVar aggregate classification (germline): Uncertain significance (1 of 4 stars; one submission).

Submission:

GeneDx
Classification: Uncertain significance. Last evaluated: 2026-01-08. Review status: criteria provided, single submitter. Criteria: GeneDx Variant Classification Process June 2021. Collection method: clinical testing. Allele origin: germline.
Comment: Not observed at significant frequency in large population cohorts (gnomAD); In silico analysis supports that this missense variant has a deleterious effect on protein structure/function; Has not been previously published as pathogenic or benign to our knowledge

NM_020706.2(SCAF4):c.283A>G (p.Thr95Ala)

Gene: SCAF4 (SR-related CTD associated factor 4; minus strand). Cytogenetic location: 21q22.11.
Variant type: single nucleotide variant.
Coding change: c.283A>G on transcript NM_020706.2 (MANE Select); coding-DNA position 283, A replaced by G.
Protein change: p.Thr95Ala; replaces threonine 95 with alanine.
Molecular consequence: missense variant.
Genome position (GRCh38, 1-based): chr21:31,703,803, T>C on the plus strand (A>G on the coding strand, the complement: SCAF4 is on the minus strand). VCF-style: chr21-31703803-T-C. GRCh37 (hg19) VCF-style: chr21-33076116-T-C.
Other names: c.238A>G, p.Thr80Ala (NM_001145444.1); c.283A>G, p.Thr95Ala (NM_001145445.1); short protein forms T80A, T95A.
Identifiers: ClinVar variation 2573904 (VCV002573904.2), dbSNP rs2516811059, ClinGen allele CA410051169.
Genomic context (GRCh38, chr21:31,703,803, plus strand): 5'-TTAGTTTAAAAATTAATTATACCTTATCTTCAGATGGACAAAGATATAAATATTGGAATG[T>C]GGCAGTTATGTTTTTAGAGAATCTTGGCCCAAAAACATCTTTATCAGTTCCAAACTGATG-3'
Protein context (NP_065757.1, residues 85-105): GPRFSKNITA[Thr95Ala]FQYLYLCPSE